The following is an entry in ClinVar:

ClinVar aggregate classification (germline): Uncertain significance (1 of 4 stars; one submission).

Submission:

GeneDx
Classification: Uncertain significance. Last evaluated: 2022-03-18. Review status: criteria provided, single submitter. Criteria: GeneDx Variant Classification Process June 2021. Collection method: clinical testing. Allele origin: germline. Affected: yes.
Comment: Not observed at significant frequency in large population cohorts (gnomAD); In silico analysis supports that this missense variant does not alter protein structure/function; Has not been previously published as pathogenic or benign to our knowledge

NM_016239.4(MYO15A):c.25A>G (p.Lys9Glu)

Gene: MYO15A (myosin XVA; plus strand). Cytogenetic location: 17p11.2.
Variant type: single nucleotide variant.
Coding change: c.25A>G on transcript NM_016239.4 (MANE Select); coding-DNA position 25, A replaced by G.
Protein change: p.Lys9Glu; replaces lysine 9 with glutamic acid.
Molecular consequence: missense variant.
Genome position (GRCh38, 1-based): chr17:18,118,825, A>G. VCF-style: chr17-18118825-A-G. GRCh37 (hg19) VCF-style: chr17-18022139-A-G.
Other names: short protein forms K9E.
Identifiers: ClinVar variation 1706211 (VCV001706211.2), dbSNP rs2545171632, ClinGen allele CA398589247.